The following is an entry in ClinVar:

ClinVar aggregate classification (germline): Likely benign. Review status: criteria provided, multiple submitters, no conflicts (2 of 4 stars). 5 submissions from 5 submitters: Likely benign (4). 1 of the submissions does not count toward it. Last evaluated 2025-05-01.

Conditions:
MAX-related disorder. Also called: MAX-related condition.
Hereditary cancer-predisposing syndrome. Also called: Hereditary neoplastic syndrome; Neoplastic Syndromes, Hereditary; Tumor predisposition; Hereditary Cancer Syndrome. Identifiers: Orphanet 140162, MedGen C0027672, MeSH D009386, MONDO:0015356.
Pheochromocytoma. Also called: MAX-Related Hereditary Paraganglioma-Pheochromocytoma Syndrome. Identifiers: Orphanet 29072, MedGen C0031511, MONDO:0008233, OMIM 171300, HP:0002666.

Allele frequency attached by ClinVar (database versions not stated): ExAC 0.00040; gnomAD 0.00047 and 0.00045; gnomAD exomes 0.00059 and 0.00043; ESP Exome Variant Server 0.00069; TOPMed 0.00036.
gnomAD v4.1: 937 of 1,612,710 alleles (0.058%); highest among the groups gnomAD compares: Non-Finnish European, 0.071%; 2 homozygotes.

Submissions (5):

CeGaT Center for Human Genetics Tuebingen
Classification: Likely benign. Last evaluated: 2025-05-01. Review status: criteria provided, single submitter. Criteria: CeGaT Center For Human Genetics Tuebingen Variant Classification Criteria Version 2. Collection method: clinical testing. Allele origin: germline. Affected: yes. Observed: 1 variant allele.
Comment: MAX: BS1

Blueprint Genetics
Classification: Likely benign. Last evaluated: 2024-11-04. Review status: criteria provided, single submitter. Criteria: ACMG Guidelines, 2015. Collection method: clinical testing. Allele origin: germline.

ARUP Laboratories, Molecular Genetics and Genomics, ARUP Laboratories
Classification: Likely benign for Pheochromocytoma. Last evaluated: 2024-10-09. Review status: criteria provided, single submitter. Criteria: ARUP Molecular Germline Variant Investigation Process 2024. Collection method: clinical testing. Allele origin: germline.

Sema4
Classification: Likely benign for Hereditary cancer-predisposing syndrome. Last evaluated: 2021-11-12. Review status: criteria provided, single submitter. Criteria: Sema4 Curation Guidelines. Collection method: curation. Allele origin: germline.

PreventionGenetics, part of Exact Sciences
Classification: Likely benign for MAX-related condition. Last evaluated: 2020-03-05. Review status: no assertion criteria provided. Collection method: clinical testing. Allele origin: germline. Not counted in ClinVar's aggregate classification.
Comment: This variant is classified as likely benign based on ACMG/AMP sequence variant interpretation guidelines (Richards et al. 2015 PMID: 25741868, with internal and published modifications).

NM_197957.4(MAX):c.172-5C>A

Genes: CHURC1-FNTB (CHURC1-FNTB readthrough; plus strand), FNTB (farnesyltransferase, CAAX box, subunit beta; plus strand), MAX (MYC associated transcriptional regulator X; minus strand), LOC126861966 (MED14-independent group 3 enhancer GRCh37_chr14:65471811-65473010; plus strand). Cytogenetic location: 14q23.3.
Variant type: single nucleotide variant.
Coding change: c.172-5C>A on transcript NM_197957.4; 5 bases into the intron before coding-DNA position 172, C replaced by A.
Molecular consequence: intron variant.
Genome position (GRCh38, 1-based): chr14:65,006,289, G>T on the plus strand (C>A on the coding strand, the complement: MAX is on the minus strand). VCF-style: chr14-65006289-G-T. GRCh37 (hg19) VCF-style: chr14-65473007-G-T.
Other names: c.392+1976G>T (NM_001202559.1); c.71+1976G>T (NM_001202558.2); c.209+1976G>T (NM_002028.4); c.145-5C>A (NM_001271069.2).
Identifiers: ClinVar variation 1692098 (VCV001692098.16), dbSNP rs201052112, ClinGen allele CA7232371.
Genomic context (GRCh38, chr14:65,006,289, plus strand): 5'-AAAGGCAAGTGTTCATAAGGAAAGACAGGTGGGAGGGTTAACTTCATCTTTGTTCCCTGG[G>T]GAAGGAAAGGAGGAAAAATATCAGCTTACTAGTATAGTCTTTCCCTTAACTGCTAAACCA-3'